The following is an entry in ClinVar:

ClinVar aggregate classification (germline): Conflicting classifications of pathogenicity. Review status: criteria provided, conflicting classifications (1 of 4 stars). 10 submissions from 10 submitters: Uncertain significance (5); Likely benign (4). 1 of the submissions does not count toward it. Last evaluated 2026-01-07.

Conditions:
Hereditary cancer-predisposing syndrome. Also called: Tumor predisposition; Neoplastic Syndromes, Hereditary; Hereditary neoplastic syndrome; Hereditary Cancer Syndrome. Identifiers: Orphanet 140162, MedGen C0027672, MeSH D009386, MONDO:0015356.
Hereditary breast ovarian cancer syndrome. Also called: Hereditary breast and ovarian cancer; Hereditary breast and ovarian cancer syndrome (HBOC); Hereditary breast and ovarian cancer syndrome; BRCA1- and BRCA2-Associated Hereditary Breast and Ovarian Cancer; Breast and ovarian cancer; Hereditary breast and/or ovarian cancer syndrome. Identifiers: Orphanet 145, MedGen C0677776, MeSH D061325, MONDO:0003582. Disease mechanism: loss of function.
Breast-ovarian cancer, familial, susceptibility to, 2 (BROVCA2). Also called: BRCA2 Hereditary Breast and Ovarian Cancer. Identifiers: Orphanet 145, MedGen C2675520, MONDO:0012933, OMIM 612555. Disease mechanism: loss of function.

Allele frequency attached by ClinVar (database versions not stated): gnomAD exomes below 0.00001 and 0.00001; gnomAD 0.00001; TOPMed 0.00001; ExAC 0.00002; 1000 Genomes Project 0.00020; 1000 Genomes Project 30x 0.00031.
gnomAD v4.1: 9 of 1,612,950 alleles (0.00056%); highest among the groups gnomAD compares: Admixed American, 0.012%; no homozygotes.

Submissions (10):

Labcorp Genetics (formerly Invitae), Labcorp
Classification: Uncertain significance for Hereditary breast ovarian cancer syndrome. Last evaluated: 2026-01-07. Review status: criteria provided, single submitter. Criteria: Invitae Variant Classification Sherloc (09022015). Collection method: clinical testing. Allele origin: germline.
Comment: This sequence change replaces aspartic acid, which is acidic and polar, with asparagine, which is neutral and polar, at codon 1781 of the BRCA2 protein (p.Asp1781Asn). This variant is present in population databases (rs183478654, gnomAD 0.009%). This missense change has been observed in individual(s) with breast cancer (PMID: 26543556, 33359728). ClinVar contains an entry for this variant (Variation ID: 142848). Invitae Evidence Modeling of protein sequence and biophysical properties (such as structural, functional, and spatial information, amino acid conservation, physicochemical variation, residue mobility, and thermodynamic stability) indicates that this missense variant is not expected to disrupt BRCA2 protein function with a negative predictive value of 95%. Experimental studies have shown that this missense change affects BRCA2 function (PMID: 33293522). In summary, the available evidence is currently insufficient to determine the role of this variant in disease. Therefore, it has been classified as a Variant of Uncertain Significance.

Myriad Genetics, Inc.
Classification: Likely benign for Breast-ovarian cancer, familial, susceptibility to, 2. Last evaluated: 2025-03-25. Review status: criteria provided, single submitter. Criteria: Myriad Autosomal Dominant, Autosomal Recessive and X-Linked Classification Criteria (2023). Collection method: clinical testing. Allele origin: unknown.
Comment: This variant is considered likely benign. This variant is strongly associated with less severe personal and family histories of cancer, typical for individuals without pathogenic variants in this gene [PMID: 25085752].

GeneDx
Classification: Uncertain significance. Last evaluated: 2025-03-13. Review status: criteria provided, single submitter. Criteria: GeneDx Variant Classification Process June 2021. Collection method: clinical testing. Allele origin: germline. Affected: yes.
Comment: Published functional studies demonstrate no damaging effect: ability to rescue cell lethality and lack of sensitivity to DNA damaging agents (PMID: 33293522); Not observed at significant frequency in large population cohorts (gnomAD); In silico analysis supports that this missense variant has a deleterious effect on protein structure/function; Also known as 5569G>A; This variant is associated with the following publications: (PMID: 26543556, 33359728, 29884841, 32377563, 30630528, 33293522, 31853058)

Color Diagnostics, LLC DBA Color Health
Classification: Likely benign for Hereditary cancer-predisposing syndrome. Last evaluated: 2025-01-07. Review status: criteria provided, single submitter. Criteria: ACMG Guidelines, 2015. Collection method: clinical testing. Allele origin: germline.

Ambry Genetics
Classification: Likely benign for Hereditary cancer-predisposing syndrome. Last evaluated: 2024-03-21. Review status: criteria provided, single submitter. Criteria: Ambry Variant Classification Scheme 2023. Collection method: clinical testing. Allele origin: germline.

All of Us Research Program, National Institutes of Health
Classification: Uncertain significance for Breast-ovarian cancer, familial, susceptibility to, 2. Last evaluated: 2023-11-02. Review status: criteria provided, single submitter. Criteria: ACMG Guidelines, 2015. Collection method: clinical testing. Allele origin: germline. Inheritance: Autosomal dominant inheritance. Observed: 2 variant alleles, 2 heterozygotes.
Comment: This missense variant replaces aspartic acid with asparagine at codon 1781 of the BRCA2 protein. Computational prediction suggests that this variant may not impact protein structure and function (internally defined REVEL score threshold <= 0.5, PMID: 27666373). A functional study in mouse embryonic stem cells reported that this variant did not impact cell survival or sensitivity to DNA-damaging agents (PMID: 33293522). This variant has been reported in an individual affected with breast cancer (PMID: 26543556) and in an individual affected with colorectal cancer (PMID: 33359728). This variant has been identified in 3/250662 chromosomes in the general population by the Genome Aggregation Database (gnomAD). The available evidence is insufficient to determine the role of this variant in disease conclusively. Therefore, this variant is classified as a Variant of Uncertain Significance.

This study involves interpretation of variants in research participants for the purpose of population health screening. Participant phenotype was not available at the time of variant classification. Additional details can be found in publication PMID: 35346344, PMCID: PMC8962531

University of Washington Department of Laboratory Medicine, University of Washington
Classification: Likely benign for Hereditary cancer-predisposing syndrome. Last evaluated: 2023-03-23. Review status: criteria provided, single submitter. Criteria: Dines et al. (Genet Med. 2020). Collection method: curation. Allele origin: germline.
Comment: Missense variant in a coldspot region where missense variants are very unlikely to be pathogenic (PMID:31911673).

BRCA2 exon 11 coldspot. Reclassification based on statistical prior probability.

Quest Diagnostics Nichols Institute San Juan Capistrano
Classification: Uncertain significance. Last evaluated: 2022-05-10. Review status: criteria provided, single submitter. Criteria: Quest Diagnostics criteria. Collection method: clinical testing. Allele origin: unknown.
Comment: The frequency of this variant in the general population, 0.000087 (3/34536 chromosomes), is uninformative in assessment of its pathogenicity. In the published literature, the variant has been reported in an individual with breast cancer (PMID: 26543556 (2015)) and in an individual with young-onset colorectal cancer (PMID: 33359728 (2022)). Analysis of this variant using bioinformatics tools for the prediction of the effect of amino acid changes on protein structure and function yielded predictions that this variant is benign. Based on the available information, we are unable to determine the clinical significance of this variant.

Women's Health and Genetics/Laboratory Corporation of America, LabCorp
Classification: Uncertain significance. Last evaluated: 2017-08-03. Review status: criteria provided, single submitter. Criteria: LabCorp Variant Classification Summary - May 2015. Collection method: clinical testing. Allele origin: germline.
Comment: Variant summary: The BRCA2 c.5341G>A (p.Asp1781Asn) variant involves the alteration of a non-conserved nucleotide and 3/4 in silico tools (SNPsandGO not captured due to low reliability index) predict a benign outcome. However, these predictions have yet to be functionally assessed. This variant was found in 2/120702 control chromosomes at a frequency of 0.0000166, which does not exceed the estimated maximal expected allele frequency of a pathogenic BRCA2 variant (0.0007503). A publication cites the variant in an affected individual with limited information (ie, lack of co-occurrence and cosegregation data)(Dean_BRCA_GigaScience_2015). In addition, multiple clinical diagnostic laboratories classified this variant as uncertain significance. Therefore, due to the limited available information (ie, lack of clinical and/or functional studies), the variant of interest has been classified as a "Variant of Uncertain Significance (VUS).

Counsyl
Classification: Uncertain significance for Breast-ovarian cancer, familial, susceptibility to, 2. Last evaluated: 2016-08-22. Review status: no assertion criteria provided. Collection method: clinical testing. Allele origin: unknown. Not counted in ClinVar's aggregate classification.

Literature cited by the submitters: PubMed 26543556 (cited by 6 submitters); PubMed 33359728 (cited by 3 submitters); PubMed 33293522 (cited by 3 submitters); PubMed 25085752 (cited by Myriad Genetics, Inc.).

NM_000059.4(BRCA2):c.5341G>A (p.Asp1781Asn)

Gene: BRCA2 (BRCA2 DNA repair associated; plus strand). Cytogenetic location: 13q13.1.
Variant type: single nucleotide variant.
Coding change: c.5341G>A on transcript NM_000059.4 (MANE Select); coding-DNA position 5341, G replaced by A.
Protein change: p.Asp1781Asn; replaces aspartic acid 1781 with asparagine.
Molecular consequence: missense variant.
Genome position (GRCh38, 1-based): chr13:32,339,696, G>A. VCF-style: chr13-32339696-G-A. GRCh37 (hg19) VCF-style: chr13-32913833-G-A.
Other names: short protein forms D1781N.
Identifiers: ClinVar variation 142848 (VCV000142848.25), dbSNP rs183478654, ClinGen allele CA022039.